The following is an entry in ClinVar:

ClinVar aggregate classification (germline): Uncertain significance (0 of 4 stars; one submission).

Conditions:
CTC1-related disorder. Also called: CTC1-related condition.

gnomAD v4.1: 10 of 1,613,970 alleles (0.00062%); highest among the groups gnomAD compares: African/African-American, 0.0053%; no homozygotes.

Submission:

PreventionGenetics, part of Exact Sciences
Classification: Uncertain significance for CTC1-related condition. Last evaluated: 2024-05-01. Review status: no assertion criteria provided. Collection method: clinical testing. Allele origin: germline.
Comment: The CTC1 c.2036G>C variant is predicted to result in the amino acid substitution p.Gly679Ala. To our knowledge, this variant has not been reported in the literature. This variant is reported in 0.0065% of alleles in individuals of African descent in gnomAD. At this time, the clinical significance of this variant is uncertain due to the absence of conclusive functional and genetic evidence.

NM_025099.6(CTC1):c.2036G>C (p.Gly679Ala)

Gene: CTC1 (CST telomere replication complex component 1; minus strand). Cytogenetic location: 17p13.1.
Variant type: single nucleotide variant.
Coding change: c.2036G>C on transcript NM_025099.6 (MANE Select); coding-DNA position 2036, G replaced by C.
Protein change: p.Gly679Ala; replaces glycine 679 with alanine.
Molecular consequence: missense variant. On other transcripts: non-coding transcript variant (1).
Genome position (GRCh38, 1-based): chr17:8,232,385, C>G on the plus strand (G>C on the coding strand, the complement: CTC1 is on the minus strand). VCF-style: chr17-8232385-C-G. GRCh37 (hg19) VCF-style: chr17-8135703-C-G.
Other names: c.2036G>C, p.Gly679Ala (NM_001411067.1); short protein forms G679A.
Identifiers: ClinVar variation 3350885 (VCV003350885.1).